The following is an entry in ClinVar:

NM_000359.3(TGM1):c.1160-2A>C

Gene: TGM1 (transglutaminase 1; minus strand). Cytogenetic location: 14q12.
Variant type: single nucleotide variant.
Coding change: c.1160-2A>C on transcript NM_000359.3 (MANE Select); the canonical splice acceptor site of the intron before coding-DNA position 1160, A replaced by C.
Molecular consequence: splice acceptor variant.
Genome position (GRCh38, 1-based): chr14:24,258,675, T>G on the plus strand (A>C on the coding strand, the complement: TGM1 is on the minus strand). VCF-style: chr14-24258675-T-G. GRCh37 (hg19) VCF-style: chr14-24727881-T-G.
Identifiers: ClinVar variation 2736103 (VCV002736103.3), dbSNP rs1292568038, ClinGen allele CA389262951.

ClinVar aggregate classification (germline): Pathogenic (1 of 4 stars; one submission).

Allele frequency attached by ClinVar (database versions not stated): gnomAD exomes below 0.00001.
gnomAD v4.1: 1 of 1,613,642 alleles (0.000062%); highest among the groups gnomAD compares: Non-Finnish European, 0.000085%; no homozygotes.

Submission:

Labcorp Genetics (formerly Invitae), Labcorp
Classification: Pathogenic. Last evaluated: 2023-05-15. Review status: criteria provided, single submitter. Criteria: Invitae Variant Classification Sherloc (09022015). Collection method: clinical testing. Allele origin: germline.
Comment: For these reasons, this variant has been classified as Pathogenic. Algorithms developed to predict the effect of sequence changes on RNA splicing suggest that this variant may disrupt the consensus splice site. Disruption of this splice site has been observed in individuals with congenital ichthyosis (PMID: 24314425, 31168818). This variant is present in population databases (no rsID available, gnomAD 0.0009%). This sequence change affects an acceptor splice site in intron 7 of the TGM1 gene. It is expected to disrupt RNA splicing. Variants that disrupt the donor or acceptor splice site typically lead to a loss of protein function (PMID: 16199547), and loss-of-function variants in TGM1 are known to be pathogenic (PMID: 18948357, 19241467).

Literature cited by the submitters: PubMed 24314425; PubMed 31168818; PubMed 16199547; PubMed 18948357; PubMed 19241467.